The following is an entry in ClinVar:

NM_001102401.4(TTI2):c.1506C>T (p.Gly502=)

Genes: MAK16 (MAK16 homolog; plus strand), TTI2 (TELO2 interacting protein 2; minus strand). Cytogenetic location: 8p12.
Variant type: single nucleotide variant.
Coding change: c.1506C>T on transcript NM_001102401.4 (MANE Select); coding-DNA position 1506, C replaced by T.
Protein change: p.Gly502=; no amino-acid change (glycine 502 retained).
Molecular consequence: synonymous variant. On other transcripts: 3 prime UTR variant (1).
Genome position (GRCh38, 1-based): chr8:33,499,194, G>A on the plus strand (C>T on the coding strand, the complement: TTI2 is on the minus strand). VCF-style: chr8-33499194-G-A. GRCh37 (hg19) VCF-style: chr8-33356712-G-A.
Other names: c.1506C>T, p.Gly502= (NM_001265581.2, NM_025115.5); c.1413C>T, p.Gly471= (NM_001330505.3); c.*565G>A (NM_032509.4).
Identifiers: ClinVar variation 764915 (VCV000764915.31), dbSNP rs200273292, ClinGen allele CA4707035.

ClinVar aggregate classification (germline): Likely benign. Review status: criteria provided, multiple submitters, no conflicts (2 of 4 stars). 3 submissions from 3 submitters: Likely benign (3). Last evaluated 2025-08-01.

Allele frequency attached by ClinVar (database versions not stated): gnomAD 0.00006 and 0.00007; gnomAD exomes 0.00006; TOPMed 0.00006; ExAC 0.00007; 1000 Genomes Project 30x 0.00031; 1000 Genomes Project 0.00040.
gnomAD v4.1: 102 of 1,613,724 alleles (0.0063%); highest among the groups gnomAD compares: South Asian, 0.031%; no homozygotes.

Submissions (3):

CeGaT Center for Human Genetics Tuebingen
Classification: Likely benign. Last evaluated: 2025-08-01. Review status: criteria provided, single submitter. Criteria: CeGaT Center For Human Genetics Tuebingen Variant Classification Criteria Version 2. Collection method: clinical testing. Allele origin: germline. Affected: yes. Observed: 3 variant alleles.
Comment: TTI2: BP4, BP7

Labcorp Genetics (formerly Invitae), Labcorp
Classification: Likely benign. Last evaluated: 2018-08-15. Review status: criteria provided, single submitter. Criteria: Invitae Variant Classification Sherloc (09022015). Collection method: clinical testing. Allele origin: germline.

Genetic Services Laboratory, University of Chicago
Classification: Likely benign. Last evaluated: 2018-08-02. Review status: criteria provided, single submitter. Criteria: ACMG Guidelines, 2015. Collection method: clinical testing. Allele origin: germline. Affected: no.